The following is an entry in ClinVar:

NM_002709.3(PPP1CB):c.658C>T (p.Arg220Cys)

Gene: PPP1CB (protein phosphatase 1 catalytic subunit beta; plus strand). Cytogenetic location: 2p23.2.
Variant type: single nucleotide variant.
Coding change: c.658C>T on transcript NM_002709.3 (MANE Select); coding-DNA position 658, C replaced by T.
Protein change: p.Arg220Cys; replaces arginine 220 with cysteine.
Molecular consequence: missense variant.
Genome position (GRCh38, 1-based): chr2:28,788,723, C>T. VCF-style: chr2-28788723-C-T. GRCh37 (hg19) VCF-style: chr2-29011589-C-T.
Other names: c.658C>T, p.Arg220Cys (NM_206876.2); short protein forms R220C.
Identifiers: ClinVar variation 449872 (VCV000449872.3), dbSNP rs1553311527, ClinGen allele CA346583250.

ClinVar aggregate classification (germline): Pathogenic/Likely pathogenic. Review status: criteria provided, multiple submitters, no conflicts (2 of 4 stars). 2 submissions from 2 submitters: Pathogenic (1); Likely pathogenic (1). Last evaluated 2022-09-02.

Conditions:
Noonan syndrome-like disorder with loose anagen hair 2 (NSLH2). Identifiers: MedGen C4479577, MONDO:0054588, OMIM 617506.

Submissions (2):

Victorian Clinical Genetics Services, Murdoch Childrens Research Institute
Classification: Pathogenic for Noonan syndrome-like disorder with loose anagen hair 2. Last evaluated: 2022-09-02. Review status: criteria provided, single submitter. Criteria: ACMG Guidelines, 2015. Collection method: clinical testing. Allele origin: germline. Inheritance: Autosomal dominant inheritance. Affected: yes.
Comment: Based on the classification scheme VCGS_Germline_v1.3.4, this variant is classified as Pathogenic. Following criteria are met: 0101 - Gain of function is a known mechanism of disease in this gene and is associated with Noonan syndrome-like disorder with loose anagen hair 2 (MIM#617506) (PMID: 30348783). (I) 0107 - This gene is associated with autosomal dominant disease. (I) 0200 - Variant is predicted to result in a missense amino acid change from arginine to cysteine. (I) 0251 - This variant is heterozygous. (I) 0301 - Variant is absent from gnomAD (both v2 and v3). (SP) 0501 - Missense variant consistently predicted to be damaging by multiple in silico tools or highly conserved with a major amino acid change. (SP) 0603 - Missense variant in a region that is highly intolerant to missense variation (high constraint region in DECIPHER). (SP) 0705 - No comparable missense variants have previous evidence for pathogenicity. (I) 0802 - This variant has moderate previous evidence of pathogenicity in an unrelated individual. This variant has been described as likely pathogenic, and observed as de novo in an individual with developmental delay, intellectual disability, hypotonia, and a history of congenital heart disease (ClinVar, GeneDx personal communication). (SP) 0905 - No published segregation evidence has been identified for this variant. (I) 1007 - No published functional evidence has been identified for this variant. (SP) Legend: (SP) - Supporting pathogenic, (I) - Information, (SB) - Supporting benign

GeneDx
Classification: Likely pathogenic. Last evaluated: 2017-03-17. Review status: criteria provided, single submitter. Criteria: GeneDx Variant Classification (06012015). Collection method: clinical testing. Allele origin: germline. Affected: yes.
Comment: The R220C variant in the PPP1CB gene has not been reported previously as a pathogenic variant, noras a benign variant, to our knowledge. The R220C variant is not observed in large population cohorts(Lek et al., 2016; 1000 Genomes Consortium et al., 2015; Exome Variant Server). The R220C variantis a non-conservative amino acid substitution, which is likely to impact secondary protein structure asthese residues differ in polarity, charge, size and/or other properties. This substitution occurs at aposition that is conserved across species and in silico analysis predicts this variant is probablydamaging to the protein structure/function. The R220C variant is a strong candidate for a pathogenicvariant; however the possibility it may be a rare benign variant cannot be excluded.

Literature cited by the submitters: PubMed 30348783 (cited by Victorian Clinical Genetics Services, Murdoch Childrens Research Institute).